The following is an entry in ClinVar:

NC_000002.11:g.(?_110907739)_(110962545_?)dup

Gene: NPHP1 (nephrocystin 1; minus strand). Cytogenetic location: 2q13.
Variant type: Duplication.
Identifiers: ClinVar variation 1510455 (VCV001510455.3).

ClinVar aggregate classification (germline): Uncertain significance (1 of 4 stars; one submission).

Conditions:
Nephronophthisis. Also called: Juvenile Nephronophthisis. Identifiers: Orphanet 655, MedGen C0687120, MONDO:0019005, HP:0000090.

Submission:

Labcorp Genetics (formerly Invitae), Labcorp
Classification: Uncertain significance for Nephronophthisis. Last evaluated: 2021-11-16. Review status: criteria provided, single submitter. Criteria: Invitae Variant Classification Sherloc (09022015). Collection method: clinical testing. Allele origin: germline.
Comment: This variant results in a copy number gain of the genomic region encompassing exon(s) 1-12 of the NPHP1 gene. This region includes the initiator codon of the gene. This copy number gain extends beyond the assayed region for this gene and therefore may encompass additional genes. As the precise location of this event is unknown, it may be in tandem or it may be located elsewhere in the genome. This variant has not been reported in the literature in individuals affected with NPHP1-related conditions. In summary, the available evidence is currently insufficient to determine the role of this variant in disease. Therefore, it has been classified as a Variant of Uncertain Significance.